The following is an entry in ClinVar:

NM_001127222.2(CACNA1A):c.3383C>A (p.Pro1128Gln)

Gene: CACNA1A (calcium voltage-gated channel subunit alpha1 A; minus strand). Cytogenetic location: 19p13.13.
Variant type: single nucleotide variant.
Coding change: c.3383C>A on transcript NM_001127222.2 (MANE Select); coding-DNA position 3383, C replaced by A.
Protein change: p.Pro1128Gln; replaces proline 1128 with glutamine.
Molecular consequence: missense variant.
Genome position (GRCh38, 1-based): chr19:13,286,673, G>T on the plus strand (C>A on the coding strand, the complement: CACNA1A is on the minus strand). VCF-style: chr19-13286673-G-T. GRCh37 (hg19) VCF-style: chr19-13397487-G-T.
Other names: c.3395C>A, p.Pro1132Gln (NM_000068.4, NM_023035.3); c.3386C>A, p.Pro1129Gln (NM_001127221.2, NM_001174080.2); short protein forms P1128Q, P1129Q, P1132Q.
Identifiers: ClinVar variation 999299 (VCV000999299.11), dbSNP rs754208553, ClinGen allele CA404341480.
Genomic context (GRCh38, chr19:13,286,673, plus strand): 5'-TTGGTGACGATAAGGCTATTCTCGGGGGTCTTGGGGGGGCCGGGATTGGATGGGTTCCCC[G>T]GGTTGTTGGGCGTCCGGCGGCTGGCGGCGTTCTGGGGGTTGGTGGCCATGGCAGGGATGG-3'
Protein context (NP_001120694.1, residues 1118-1138): NAASRRTPNN[Pro1128Gln]GNPSNPGPPK

ClinVar aggregate classification (germline): Uncertain significance (1 of 4 stars; one submission).

Conditions:
Developmental and epileptic encephalopathy, 42 (DEE42A). Also called: Epileptic encephalopathy, early infantile, 42; DEVELOPMENTAL AND EPILEPTIC ENCEPHALOPATHY 42A; EPILEPTIC ENCEPHALOPATHY, EARLY INFANTILE, 42A. Identifiers: MedGen C4310716, MONDO:0014917, OMIM 617106.
Episodic ataxia type 2 (EA2). Also called: ACETAZOLAMIDE-RESPONSIVE HEREDITARY PAROXYSMAL CEREBELLAR ATAXIA; ATAXIA, EPISODIC, WITH NYSTAGMUS; ATAXIA, FAMILIAL PAROXYSMAL; CEREBELLAR ATAXIA, PAROXYSMAL, ACETAZOLAMIDE-RESPONSIVE; CEREBELLOPATHY, HEREDITARY PAROXYSMAL; EPISODIC ATAXIA, NYSTAGMUS-ASSOCIATED. Identifiers: Orphanet 97, MedGen C1720416, MONDO:0007163, OMIM 108500.

Submission:

Labcorp Genetics (formerly Invitae), Labcorp
Classification: Uncertain significance for Developmental and epileptic encephalopathy, 42; Episodic ataxia type 2. Last evaluated: 2020-06-05. Review status: criteria provided, single submitter. Criteria: Invitae Variant Classification Sherloc (09022015). Collection method: clinical testing. Allele origin: germline.
Comment: In summary, the available evidence is currently insufficient to determine the role of this variant in disease. Therefore, it has been classified as a Variant of Uncertain Significance. This sequence change replaces proline with glutamine at codon 1129 of the CACNA1A protein (p.Pro1129Gln). The proline residue is moderately conserved and there is a moderate physicochemical difference between proline and glutamine. This variant is not present in population databases (ExAC no frequency). This variant has not been reported in the literature in individuals with CACNA1A-related conditions. Algorithms developed to predict the effect of missense changes on protein structure and function are either unavailable or do not agree on the potential impact of this missense change (SIFT: "Deleterious"; PolyPhen-2: "Possibly Damaging"; Align-GVGD: "Class C0"). Algorithms developed to predict the effect of sequence changes on RNA splicing suggest that this variant may create or strengthen a splice site, but this prediction has not been confirmed by published transcriptional studies.